The following is an entry in ClinVar:

NM_007194.4(CHEK2):c.917_922del (p.Gly306_Gly307del)

Gene: CHEK2 (checkpoint kinase 2; minus strand). Cytogenetic location: 22q12.1.
Variant type: Deletion.
Coding change: c.917_922del on transcript NM_007194.4 (MANE Select); coding-DNA positions 917 to 922, 6 bases deleted (GGGGAG; older notation c.917_922delGGGGAG).
Protein change: p.Gly306_Gly307del.
Molecular consequence: inframe deletion. On other transcripts: inframe indel (4).
Genome position (GRCh38, 1-based): chr22:28,699,924-28,699,929, CTCCCC deleted on the plus strand (GGGGAG on the coding strand, the reverse complement: CHEK2 is on the minus strand); deleting any 6 consecutive bases within chr22:28,699,924-28,699,931 gives the same sequence; the c. name uses the placement nearest the transcript's 3' end. VCF-style (leftmost placement, unchanged base first): chr22-28699923-TCTCCCC-T. GRCh37 (hg19) VCF-style: chr22-29095911-TCTCCCC-T.
Other names: c.1044_1049delAGGGGG, p.Gly349_Gly350del (NM_001005735.3); c.252_257delAGGGGG, p.Gly85_Gly86del (NM_001257387.3); c.714_719delAGGGGG, p.Gly239_Gly240del (NM_001349956.3); c.915_920delAGGGGG, p.Gly306_Gly307del (NM_145862.3).
Identifiers: ClinVar variation 1766050 (VCV001766050.2), dbSNP rs2517850953, ClinGen allele CA2580099594.

ClinVar aggregate classification (germline): Uncertain significance (1 of 4 stars; one submission).

Conditions:
Hereditary cancer-predisposing syndrome. Also called: Neoplastic Syndromes, Hereditary; Tumor predisposition; Hereditary Cancer Syndrome; Hereditary neoplastic syndrome. Identifiers: Orphanet 140162, MedGen C0027672, MeSH D009386, MONDO:0015356.

Submission:

Ambry Genetics
Classification: Uncertain significance for Hereditary cancer-predisposing syndrome. Last evaluated: 2021-04-13. Review status: criteria provided, single submitter. Criteria: Ambry Variant Classification Scheme 2023. Collection method: clinical testing. Allele origin: germline.
Comment: The c.917_922delGGGGAG variant (also known as p.G306_G307del) is located in coding exon 8 of the CHEK2 gene. This variant results from an in-frame GGGGAG deletion at nucleotide positions 917 to 922, causing the removal of two amino acids at codons 306 and 307. These amino acid positions are highly conserved in available vertebrate species. In addition, this alteration is predicted to be deleterious by in silico analysis (Choi Y et al. PLoS ONE. 2012; 7(10):e46688). Since supporting evidence is limited at this time, the clinical significance of this alteration remains unclear.